The following is an entry in ClinVar:

NM_015338.6(ASXL1):c.3675A>C (p.Lys1225Asn)

Gene: ASXL1 (ASXL transcriptional regulator 1; plus strand). Cytogenetic location: 20q11.21.
Variant type: single nucleotide variant.
Coding change: c.3675A>C on transcript NM_015338.6 (MANE Select); coding-DNA position 3675, A replaced by C.
Protein change: p.Lys1225Asn; replaces lysine 1225 with asparagine.
Molecular consequence: missense variant.
Genome position (GRCh38, 1-based): chr20:32,436,387, A>C. VCF-style: chr20-32436387-A-C. GRCh37 (hg19) VCF-style: chr20-31024190-A-C.
Other names: c.3492A>C, p.Lys1164Asn (NM_001363734.1); short protein forms K1164N, K1225N.
Identifiers: ClinVar variation 4755678 (VCV004755678.2).

ClinVar aggregate classification (germline): Uncertain significance. Review status: criteria provided, multiple submitters, no conflicts (2 of 4 stars). 2 submissions from 2 submitters: Uncertain significance (2). Last evaluated 2025-12-31.

Conditions:
Inborn genetic diseases. Identifiers: MedGen C0950123, MeSH D030342.

gnomAD v4.1: 1 of 1,613,806 alleles (0.000062%); highest among the groups gnomAD compares: Non-Finnish European, 0.000085%; no homozygotes.

Submissions (2):

Ambry Genetics
Classification: Uncertain significance for Inborn genetic diseases. Last evaluated: 2025-12-31. Review status: criteria provided, single submitter. Criteria: Ambry Variant Classification Scheme 2023. Collection method: clinical testing. Allele origin: germline.

GeneDx
Classification: Uncertain significance. Last evaluated: 2025-08-09. Review status: criteria provided, single submitter. Criteria: GeneDx Variant Classification Process June 2021. Collection method: clinical testing. Allele origin: germline. Affected: yes.
Comment: Not observed at significant frequency in large population cohorts (gnomAD); In silico analysis suggests that this missense variant does not alter protein structure/function; Has not been previously published as pathogenic or benign to our knowledge